The following is an entry in ClinVar:

NM_022132.5(MCCC2):c.1368A>T (p.Ala456=)

Gene: MCCC2 (methylcrotonyl-CoA carboxylase subunit 2; plus strand). Cytogenetic location: 5q13.2.
Variant type: single nucleotide variant.
Coding change: c.1368A>T on transcript NM_022132.5 (MANE Select); coding-DNA position 1368, A replaced by T.
Protein change: p.Ala456=; no amino-acid change (alanine 456 retained).
Molecular consequence: synonymous variant.
Genome position (GRCh38, 1-based): chr5:71,649,248, A>T. VCF-style: chr5-71649248-A-T. GRCh37 (hg19) VCF-style: chr5-70945075-A-T.
Other names: c.1254A>T, p.Ala418= (NM_001363147.1).
Identifiers: ClinVar variation 514928 (VCV000514928.8), dbSNP rs10064079, ClinGen allele CA120003712.

ClinVar aggregate classification (germline): Likely benign. Review status: criteria provided, multiple submitters, no conflicts (2 of 4 stars). 2 submissions from 2 submitters: Likely benign (2). Last evaluated 2023-03-31.

Conditions:
3-methylcrotonyl-CoA carboxylase 2 deficiency. Also called: METHYLCROTONYLGLYCINURIA, TYPE II; 3 alpha methylcrotonyl-CoA carboxylase 2 deficiency; 3 alpha methylcrotonylglycinuria 2; MCC 2 deficiency; Methylcrotonylglycinuria type 2. Identifiers: Orphanet 6, MedGen C1859499, MONDO:0008862, OMIM 210210.

gnomAD v4.1: 5 of 1,613,716 alleles (0.00031%); highest among the groups gnomAD compares: Non-Finnish European, 0.00042%; no homozygotes.

Submissions (2):

Labcorp Genetics (formerly Invitae), Labcorp
Classification: Likely benign for 3-methylcrotonyl-CoA carboxylase 2 deficiency. Last evaluated: 2023-03-31. Review status: criteria provided, single submitter. Criteria: Invitae Variant Classification Sherloc (09022015). Collection method: clinical testing. Allele origin: germline.

GeneDx
Classification: Likely benign. Last evaluated: 2018-02-01. Review status: criteria provided, single submitter. Criteria: GeneDx Variant Classification (06012015). Collection method: clinical testing. Allele origin: germline. Affected: yes.
Comment: This variant is considered likely benign or benign based on one or more of the following criteria: it is a conservative change, it occurs at a poorly conserved position in the protein, it is predicted to be benign by multiple in silico algorithms, and/or has population frequency not consistent with disease.